The following is an entry in ClinVar:

NC_000016.9:g.(31476209_31477170)_(31478487_?)dup

Gene: ARMC5 (armadillo repeat containing 5; plus strand). Cytogenetic location: 16p11.2.
Variant type: Duplication.
Identifiers: ClinVar variation 3385034 (VCV003385034.1).

ClinVar aggregate classification (germline): Benign (1 of 4 stars; one submission).

Submission:

Women's Health and Genetics/Laboratory Corporation of America, LabCorp
Classification: Benign. Last evaluated: 2024-10-01. Review status: criteria provided, single submitter. Criteria: LabCorp Variant Classification Summary - May 2015. Collection method: clinical testing. Allele origin: germline.
Comment: Variant summary: The variant involves the duplication of exons 5-6 in the ARMC5 gene. A presumed nomenclature of c.(1864+1_1865-1)_(*277_?)dup has been designated for the purposes of this classification. The exact breakpoint at the 3' end of this variant is unknown, therefore this duplication may extend downstream of the annotated region of the gene. As it duplicates the termination codon, its effect on the encoded protein is unknown. The variant allele was found at a frequency of 0.00046 in 21694 control chromosomes, predominantly at a frequency of 0.0013 within the Non-Finnish European subpopulation in the gnomAD database. The observed variant frequency within Non-Finnish European control individuals in the gnomAD database exceeds the estimated maximal expected allele frequency for a pathogenic variant in ARMC5 causing ACTH-Independent Macronodular Adrenal Hyperplasia 2 phenotype. To our knowledge, no occurrence of c.(1864+1_1865-1)_(*277_?)dup in individuals affected with ACTH-Independent Macronodular Adrenal Hyperplasia 2 and no experimental evidence demonstrating its impact on protein function have been reported. No submitters have cited clinical-significance assessments for this variant to ClinVar. Based on the evidence outlined above, the variant was classified as benign.